The following is an entry in ClinVar:

ClinVar aggregate classification (germline): Benign/Likely benign. Review status: criteria provided, multiple submitters, no conflicts (2 of 4 stars). 4 submissions from 4 submitters: Benign (1); Likely benign (2). 1 of the submissions does not count toward it. Last evaluated 2026-01-22.

Conditions:
ASCC1-related disorder. Also called: ASCC1-Related Disorders; ASCC1-related condition.

Allele frequency attached by ClinVar (database versions not stated): gnomAD 0.00148 and 0.00149; ESP Exome Variant Server 0.00169; TOPMed 0.00178; gnomAD exomes 0.00199 and 0.00211; 1000 Genomes Project 0.00200; ExAC 0.00225; 1000 Genomes Project 30x 0.00250.
gnomAD v4.1: 3,293 of 1,614,088 alleles (0.2%); highest among the groups gnomAD compares: Admixed American, 0.32%; 6 homozygotes.

Submissions (4):

Labcorp Genetics (formerly Invitae), Labcorp
Classification: Likely benign. Last evaluated: 2026-01-22. Review status: criteria provided, single submitter. Criteria: Invitae Variant Classification Sherloc (09022015). Collection method: clinical testing. Allele origin: germline.

Mayo Clinic Laboratories, Mayo Clinic
Classification: Benign. Last evaluated: 2025-09-09. Review status: criteria provided, single submitter. Criteria: ACMG Guidelines, 2015. Collection method: clinical testing. Allele origin: germline. Observed: 1 variant allele.
Comment: BS1, BS2, BP4_moderate

Breakthrough Genomics
Classification: Likely benign. Review status: criteria provided, single submitter. Criteria: ACMG Guidelines, 2015. Collection method: not provided. Allele origin: germline. Inheritance: Autosomal recessive inheritance. Affected: yes.

PreventionGenetics, part of Exact Sciences
Classification: Likely benign for ASCC1-related condition. Last evaluated: 2020-07-20. Review status: no assertion criteria provided. Collection method: clinical testing. Allele origin: germline. Not counted in ClinVar's aggregate classification.
Comment: This variant is classified as likely benign based on ACMG/AMP sequence variant interpretation guidelines (Richards et al. 2015 PMID: 25741868, with internal and published modifications).

NM_001198800.3(ASCC1):c.200G>C (p.Ser67Thr)

Gene: ASCC1 (activating signal cointegrator 1 complex subunit 1; minus strand). Cytogenetic location: 10q22.1.
Variant type: single nucleotide variant.
Coding change: c.200G>C on transcript NM_001198800.3 (MANE Select); coding-DNA position 200, G replaced by C.
Protein change: p.Ser67Thr; replaces serine 67 with threonine.
Molecular consequence: missense variant. On other transcripts: non-coding transcript variant (1).
Genome position (GRCh38, 1-based): chr10:72,210,744, C>G on the plus strand (G>C on the coding strand, the complement: ASCC1 is on the minus strand). VCF-style: chr10-72210744-C-G. GRCh37 (hg19) VCF-style: chr10-73970502-C-G.
Other names: p.Ser67Thr; c.200G>C, p.Ser67Thr (NM_001198798.2, NM_001198799.3, NM_001369087.1 and 19 more transcripts); c.266G>C, p.Ser89Thr (NM_001369085.1, NM_001369086.1, NM_001369099.1); c.83G>C, p.Ser28Thr (NM_001369101.1, NM_001369102.1, NM_001369105.1 and 2 more transcripts); short protein forms S67T, S89T, S28T.
Identifiers: ClinVar variation 786583 (VCV000786583.14), dbSNP rs61758723, ClinGen allele CA5549130.
Genomic context (GRCh38, chr10:72,210,744, plus strand): 5'-AGTTTCCTGGAAGTGTCTTCCCATGAAACTGTTGGGGACATGACTCACTTATAGAGCAAG[C>G]TGGGGGCCCTCAAAGTAGACCGGAATCCTTGTGGGGTCTGCTCCACCTCGTAGGCATCAC-3'
Protein context (NP_001185729.1, residues 57-77): QGFRSTLRAP[Ser67Thr]LLYKHIVGKR